The following is an entry in ClinVar:

NM_006361.6(HOXB13):c.157C>A (p.Leu53Met)

Gene: HOXB13 (homeobox B13; minus strand). Cytogenetic location: 17q21.32.
Variant type: single nucleotide variant.
Coding change: c.157C>A on transcript NM_006361.6 (MANE Select); coding-DNA position 157, C replaced by A.
Protein change: p.Leu53Met; replaces leucine 53 with methionine.
Molecular consequence: missense variant.
Genome position (GRCh38, 1-based): chr17:48,728,437, G>T on the plus strand (C>A on the coding strand, the complement: HOXB13 is on the minus strand). VCF-style: chr17-48728437-G-T. GRCh37 (hg19) VCF-style: chr17-46805799-G-T.
Other names: short protein forms L53M.
Identifiers: ClinVar variation 819594 (VCV000819594.4), dbSNP rs1597934989, ClinGen allele CA400109066.

ClinVar aggregate classification (germline): Uncertain significance (1 of 4 stars; one submission).

Conditions:
Hereditary cancer-predisposing syndrome. Also called: Neoplastic Syndromes, Hereditary; Tumor predisposition; Hereditary Cancer Syndrome; Hereditary neoplastic syndrome. Identifiers: Orphanet 140162, MedGen C0027672, MeSH D009386, MONDO:0015356.

Submission:

Ambry Genetics
Classification: Uncertain significance for Hereditary cancer-predisposing syndrome. Last evaluated: 2019-06-06. Review status: criteria provided, single submitter. Criteria: Ambry Variant Classification Scheme 2023. Collection method: clinical testing. Allele origin: germline.
Comment: The p.L53M variant (also known as c.157C>A), located in coding exon 1 of the HOXB13 gene, results from a C to A substitution at nucleotide position 157. The leucine at codon 53 is replaced by methionine, an amino acid with highly similar properties. This amino acid position is well conserved in available vertebrate species. In addition, this alteration is predicted to be tolerated by in silico analysis. Since supporting evidence is limited at this time, the clinical significance of this alteration remains unclear.